The following is an entry in ClinVar:

ClinVar aggregate classification (germline): Pathogenic (1 of 4 stars; one submission).

Submission:

Labcorp Genetics (formerly Invitae), Labcorp
Classification: Pathogenic. Last evaluated: 2023-10-23. Review status: criteria provided, single submitter. Criteria: Invitae Variant Classification Sherloc (09022015). Collection method: clinical testing. Allele origin: germline.
Comment: This variant is a gross deletion of the genomic region encompassing exon(s) 4-7 of the XPC gene. This deletion is out-of-frame, and is expected to create a premature termination codon and result in an absent or disrupted protein product. Loss-of-function variants in XPC are known to be pathogenic (PMID: 23173980, 25256075). This variant has not been reported in the literature in individuals affected with XPC-related conditions. For these reasons, this variant has been classified as Pathogenic.

Literature cited by the submitters: PubMed 23173980; PubMed 25256075.

NC_000003.11:g.(?_14206293)_(14209904_?)del

Gene: XPC (XPC complex subunit, DNA damage recognition and repair factor; minus strand). Cytogenetic location: 3p25.1.
Variant type: Deletion.
Identifiers: ClinVar variation 2425189 (VCV002425189.4).